The following is an entry in ClinVar:

NM_022489.4(INF2):c.283G>A (p.Ala95Thr)

Gene: INF2 (inverted formin 2; plus strand). Cytogenetic location: 14q32.33.
Variant type: single nucleotide variant.
Coding change: c.283G>A on transcript NM_022489.4 (MANE Select); coding-DNA position 283, G replaced by A.
Protein change: p.Ala95Thr; replaces alanine 95 with threonine.
Molecular consequence: missense variant.
Genome position (GRCh38, 1-based): chr14:104,701,648, G>A. VCF-style: chr14-104701648-G-A. GRCh37 (hg19) VCF-style: chr14-105167985-G-A.
Other names: c.283G>A, p.Ala95Thr (NM_001031714.4, NM_001426862.1, NM_001426863.1 and 6 more transcripts); c.283G>A (NM_022489.3); short protein forms A95T.
Identifiers: ClinVar variation 2935858 (VCV002935858.4), dbSNP rs1370674003, ClinGen allele CA391225752.

ClinVar aggregate classification (germline): Uncertain significance. Review status: criteria provided, multiple submitters, no conflicts (2 of 4 stars). 2 submissions from 2 submitters: Uncertain significance (2). Last evaluated 2024-07-09.

Conditions:
Inborn genetic diseases. Identifiers: MedGen C0950123, MeSH D030342.
Focal segmental glomerulosclerosis 5 (FSGS5). Identifiers: Orphanet 656, MedGen C2750475, MONDO:0013191, OMIM 613237.
Charcot-Marie-Tooth disease dominant intermediate E. Also called: CHARCOT-MARIE-TOOTH NEUROPATHY WITH FOCAL SEGMENTAL GLOMERULONEPHRITIS. Identifiers: Orphanet 93114, MedGen C4302667, MONDO:0013758, OMIM 614455.

Allele frequency attached by ClinVar (database versions not stated): TOPMed below 0.00001; gnomAD 0.00001; gnomAD exomes 0.00001.
gnomAD v4.1: 4 of 1,596,892 alleles (0.00025%); highest among the groups gnomAD compares: Admixed American, 0.0034%; no homozygotes.

Submissions (2):

Ambry Genetics
Classification: Uncertain significance for Inborn genetic diseases. Last evaluated: 2024-07-09. Review status: criteria provided, single submitter. Criteria: Ambry Variant Classification Scheme 2023. Collection method: clinical testing. Allele origin: germline.

Labcorp Genetics (formerly Invitae), Labcorp
Classification: Uncertain significance for Charcot-Marie-Tooth disease dominant intermediate E; Focal segmental glomerulosclerosis 5. Last evaluated: 2023-02-15. Review status: criteria provided, single submitter. Criteria: Invitae Variant Classification Sherloc (09022015). Collection method: clinical testing. Allele origin: germline.
Comment: In summary, the available evidence is currently insufficient to determine the role of this variant in disease. Therefore, it has been classified as a Variant of Uncertain Significance. Advanced modeling of protein sequence and biophysical properties (such as structural, functional, and spatial information, amino acid conservation, physicochemical variation, residue mobility, and thermodynamic stability) has been performed at Invitae for this missense variant, however the output from this modeling did not meet the statistical confidence thresholds required to predict the impact of this variant on INF2 protein function. This variant has not been reported in the literature in individuals affected with INF2-related conditions. The frequency data for this variant in the population databases is considered unreliable, as metrics indicate poor data quality at this position in the gnomAD database. This sequence change replaces alanine, which is neutral and non-polar, with threonine, which is neutral and polar, at codon 95 of the INF2 protein (p.Ala95Thr).